The following is an entry in ClinVar:

NM_001421.4(ELF4):c.1336_1337del (p.Ser446fs)

Gene: ELF4 (E74 like ETS transcription factor 4; minus strand). Cytogenetic location: Xq26.1.
Variant type: Microsatellite.
Coding change: c.1336_1337del on transcript NM_001421.4 (MANE Select); coding-DNA positions 1336 to 1337, 2 bases deleted (AG; older notation c.1336_1337delAG).
Protein change: p.Ser446fs; shifts the reading frame from serine 446.
Molecular consequence: frameshift variant.
Genome position (GRCh38, 1-based): chrX:130,067,376-130,067,377, CT deleted on the plus strand (AG on the coding strand, the reverse complement: ELF4 is on the minus strand); deleting any 2 consecutive bases within chrX:130,067,376-130,067,379 gives the same sequence; the c. name uses the placement nearest the transcript's 3' end. VCF-style (leftmost placement, unchanged base first): chrX-130067375-ACT-A. GRCh37 (hg19) VCF-style: chrX-129201350-ACT-A.
Other names: c.1336_1337del, p.Ser446fs (NM_001127197.2, NM_001440765.1, NM_001440766.1); short protein forms S446fs.
Identifiers: ClinVar variation 4874700 (VCV004874700.2).

ClinVar aggregate classification (germline): Likely pathogenic (1 of 4 stars; one submission).

Submission:

CeGaT Center for Human Genetics Tuebingen
Classification: Likely pathogenic. Last evaluated: 2026-04-01. Review status: criteria provided, single submitter. Criteria: CeGaT Center For Human Genetics Tuebingen Variant Classification Criteria Version 2. Collection method: clinical testing. Allele origin: germline. Affected: yes. Observed: 1 variant allele.
Comment: ELF4: PVS1:Strong, PM2